The following is an entry in ClinVar:

NM_001001331.4(ATP2B2):c.2711C>G (p.Pro904Arg)

Gene: ATP2B2 (ATPase plasma membrane Ca2+ transporting 2; minus strand). Cytogenetic location: 3p25.3.
Variant type: single nucleotide variant.
Coding change: c.2711C>G on transcript NM_001001331.4 (MANE Select); coding-DNA position 2711, C replaced by G.
Protein change: p.Pro904Arg; replaces proline 904 with arginine.
Molecular consequence: missense variant.
Genome position (GRCh38, 1-based): chr3:10,342,958, G>C on the plus strand (C>G on the coding strand, the complement: ATP2B2 is on the minus strand). VCF-style: chr3-10342958-G-C. GRCh37 (hg19) VCF-style: chr3-10384642-G-C.
Other names: c.2576C>G, p.Pro859Arg (NM_001330611.3, NM_001353564.1, NM_001363862.1 and 1 more transcripts); short protein forms P859R, P904R.
Identifiers: ClinVar variation 1505562 (VCV001505562.6), dbSNP rs2125380296, ClinGen allele CA351777746.

ClinVar aggregate classification (germline): Uncertain significance (1 of 4 stars; one submission).

Submission:

Labcorp Genetics (formerly Invitae), Labcorp
Classification: Uncertain significance. Last evaluated: 2024-10-16. Review status: criteria provided, single submitter. Criteria: Invitae Variant Classification Sherloc (09022015). Collection method: clinical testing. Allele origin: germline.
Comment: This sequence change replaces proline, which is neutral and non-polar, with arginine, which is basic and polar, at codon 859 of the ATP2B2 protein (p.Pro859Arg). This variant is not present in population databases (gnomAD no frequency). This variant has not been reported in the literature in individuals affected with ATP2B2-related conditions. ClinVar contains an entry for this variant (Variation ID: 1505562). Invitae Evidence Modeling of protein sequence and biophysical properties (such as structural, functional, and spatial information, amino acid conservation, physicochemical variation, residue mobility, and thermodynamic stability) indicates that this missense variant is expected to disrupt ATP2B2 protein function with a positive predictive value of 80%. In summary, the available evidence is currently insufficient to determine the role of this variant in disease. Therefore, it has been classified as a Variant of Uncertain Significance.